The following is an entry in ClinVar:

NM_016628.5(WAC):c.228_231del (p.Ser76fs)

Gene: WAC (WW domain containing adaptor with coiled-coil; plus strand). Cytogenetic location: 10p12.1.
Variant type: Deletion.
Coding change: c.228_231del on transcript NM_016628.5 (MANE Select); coding-DNA positions 228 to 231, 4 bases deleted (TAAG; older notation c.228_231delTAAG).
Protein change: p.Ser76fs; shifts the reading frame from serine 76.
Molecular consequence: frameshift variant.
Genome position (GRCh38, 1-based): chr10:28,535,711-28,535,714, TAAG deleted; deleting any 4 consecutive bases within chr10:28,535,709-28,535,714 gives the same sequence; the c. name uses the placement nearest the transcript's 3' end. VCF-style (leftmost placement, unchanged base first): chr10-28535708-CAGTA-C. GRCh37 (hg19) VCF-style: chr10-28824637-CAGTA-C.
Other names: c.93_96del, p.Ser31fs (NM_100264.3); c.228_231del, p.Ser76fs (NM_100486.4); short protein forms S31fs, S76fs.
Identifiers: ClinVar variation 1712694 (VCV001712694.3), dbSNP rs2491536745, ClinGen allele CA2580081435.

ClinVar aggregate classification (germline): Pathogenic (1 of 4 stars; one submission).

Submission:

GeneDx
Classification: Pathogenic. Last evaluated: 2024-10-01. Review status: criteria provided, single submitter. Criteria: GeneDx Variant Classification Process June 2021. Collection method: clinical testing. Allele origin: germline.
Comment: Frameshift variant predicted to result in protein truncation or nonsense mediated decay in a gene for which loss of function is a known mechanism of disease; Not observed at significant frequency in large population cohorts (gnomAD); Has not been previously published as pathogenic or benign to our knowledge